The following is an entry in ClinVar:

ClinVar aggregate classification (germline): Uncertain significance (1 of 4 stars; one submission).

Conditions:
Colorectal cancer, hereditary nonpolyposis, type 7. Identifiers: Orphanet 144, MedGen C1858380, MONDO:0013725, OMIM 614385.

gnomAD v4.1: 1 of 1,614,156 alleles (0.000062%); highest among the groups gnomAD compares: Non-Finnish European, 0.000085%; no homozygotes.

Submission:

Labcorp Genetics (formerly Invitae), Labcorp
Classification: Uncertain significance for Colorectal cancer, hereditary nonpolyposis, type 7. Last evaluated: 2024-08-31. Review status: criteria provided, single submitter. Criteria: Invitae Variant Classification Sherloc (09022015). Collection method: clinical testing. Allele origin: germline.
Comment: This sequence change falls in intron 2 of the MLH3 gene. It does not directly change the encoded amino acid sequence of the MLH3 protein. It affects a nucleotide within the consensus splice site. This variant is not present in population databases (gnomAD no frequency). This variant has not been reported in the literature in individuals affected with MLH3-related conditions. Variants that disrupt the consensus splice site are a relatively common cause of aberrant splicing (PMID: 17576681, 9536098). Algorithms developed to predict the effect of sequence changes on RNA splicing suggest that this variant is not likely to affect RNA splicing. In summary, the available evidence is currently insufficient to determine the role of this variant in disease. Therefore, it has been classified as a Variant of Uncertain Significance.

Literature cited by the submitters: PubMed 17576681; PubMed 9536098.

NM_001040108.2(MLH3):c.3280+3A>G

Gene: MLH3 (mutL homolog 3; minus strand). Cytogenetic location: 14q24.3.
Variant type: single nucleotide variant.
Coding change: c.3280+3A>G on transcript NM_001040108.2 (MANE Select); 3 bases into the intron after coding-DNA position 3280, A replaced by G.
Molecular consequence: intron variant.
Genome position (GRCh38, 1-based): chr14:75,046,373, T>C on the plus strand (A>G on the coding strand, the complement: MLH3 is on the minus strand). VCF-style: chr14-75046373-T-C. GRCh37 (hg19) VCF-style: chr14-75513076-T-C.
Other names: c.3280+3A>G (NM_014381.3).
Identifiers: ClinVar variation 3637459 (VCV003637459.2).